The following is an entry in ClinVar:

ClinVar aggregate classification (germline): Conflicting classifications of pathogenicity. Review status: criteria provided, conflicting classifications (1 of 4 stars). 3 submissions from 3 submitters: Uncertain significance (2); Likely benign (1). Last evaluated 2024-09-23.

Conditions:
Hereditary nonpolyposis colorectal neoplasms. Identifiers: MedGen C0009405, MeSH D003123.
Hereditary cancer-predisposing syndrome. Also called: Hereditary Cancer Syndrome; Neoplastic Syndromes, Hereditary; Tumor predisposition; Hereditary neoplastic syndrome. Identifiers: Orphanet 140162, MedGen C0027672, MeSH D009386, MONDO:0015356.

Allele frequency attached by ClinVar (database versions not stated): TOPMed 0.00001.
gnomAD v4.1: 2 of 1,614,162 alleles (0.00012%); no homozygotes.

Submissions (3):

Color Diagnostics, LLC DBA Color Health
Classification: Uncertain significance for Hereditary cancer-predisposing syndrome. Last evaluated: 2024-09-23. Review status: criteria provided, single submitter. Criteria: ACMG Guidelines, 2015. Collection method: clinical testing. Allele origin: germline.
Comment: This missense variant replaces proline with threonine at codon 623 of the MSH6 protein. Computational prediction suggests that this variant may not impact protein structure and function (internally defined REVEL score threshold <= 0.5, PMID: 27666373). To our knowledge, functional studies have not been reported for this variant. This variant has not been reported in individuals affected with MSH6-related disorders in the literature. This variant has been identified in 1/250462 chromosomes in the general population by the Genome Aggregation Database (gnomAD). The available evidence is insufficient to determine the role of this variant in disease conclusively. Therefore, this variant is classified as a Variant of Uncertain Significance.

Labcorp Genetics (formerly Invitae), Labcorp
Classification: Likely benign for Hereditary nonpolyposis colorectal neoplasms. Last evaluated: 2024-04-09. Review status: criteria provided, single submitter. Criteria: Invitae Variant Classification Sherloc (09022015). Collection method: clinical testing. Allele origin: germline.

Ambry Genetics
Classification: Uncertain significance for Hereditary cancer-predisposing syndrome. Last evaluated: 2023-07-24. Review status: criteria provided, single submitter. Criteria: Ambry Variant Classification Scheme 2023. Collection method: clinical testing. Allele origin: germline.
Comment: The p.P623T variant (also known as c.1867C>A), located in coding exon 4 of the MSH6 gene, results from a C to A substitution at nucleotide position 1867. The proline at codon 623 is replaced by threonine, an amino acid with highly similar properties. This amino acid position is not well conserved in available vertebrate species. In addition, the in silico prediction for this alteration is inconclusive. Since supporting evidence is limited at this time, the clinical significance of this alteration remains unclear.

NM_000179.3(MSH6):c.1867C>A (p.Pro623Thr)

Gene: MSH6 (mutS homolog 6; plus strand). Cytogenetic location: 2p16.3.
Variant type: single nucleotide variant.
Coding change: c.1867C>A on transcript NM_000179.3 (MANE Select); coding-DNA position 1867, C replaced by A.
Protein change: p.Pro623Thr; replaces proline 623 with threonine.
Molecular consequence: missense variant.
Genome position (GRCh38, 1-based): chr2:47,799,850, C>A. VCF-style: chr2-47799850-C-A. GRCh37 (hg19) VCF-style: chr2-48026989-C-A.
Other names: c.1477C>A, p.Pro493Thr (NM_001281492.2); c.961C>A, p.Pro321Thr (NM_001281493.2, NM_001281494.2); short protein forms P623T, P321T, P493T.
Identifiers: ClinVar variation 489973 (VCV000489973.19), dbSNP rs3136334, ClinGen allele CA346749865.
Genomic context (GRCh38, chr2:47,799,850, plus strand): 5'-AAGGAAACTAAAACAATTCTAAAGAGTTCATTGTCCTGTTCTCTTCAGGAAGGTCTGATA[C>A]CCGGCTCCCAGTTTTGGGATGCATCCAAAACTTTGAGAACTCTCCTTGAGGAAGAATATT-3'
Protein context (NP_000170.1, residues 613-633): LSCSLQEGLI[Pro623Thr]GSQFWDASKT